The following is an entry in ClinVar:

NM_000540.3(RYR1):c.14270G>A (p.Arg4757His)

Gene: RYR1 (ryanodine receptor 1; plus strand). Cytogenetic location: 19q13.2.
Variant type: single nucleotide variant.
Coding change: c.14270G>A on transcript NM_000540.3 (MANE Select); coding-DNA position 14270, G replaced by A.
Protein change: p.Arg4757His; replaces arginine 4757 with histidine.
Molecular consequence: missense variant.
Genome position (GRCh38, 1-based): chr19:38,578,015, G>A. VCF-style: chr19-38578015-G-A. GRCh37 (hg19) VCF-style: chr19-39068655-G-A.
Other names: c.14270G>A (NM_000540.2); c.14255G>A, p.Arg4752His (NM_001042723.2); short protein forms R4757H, R4752H.
Identifiers: ClinVar variation 285857 (VCV000285857.72), dbSNP rs768360593, ClinGen allele CA061023.

ClinVar aggregate classification (germline): Uncertain significance. Review status: reviewed by expert panel (3 of 4 stars). 15 submissions from 14 submitters: Uncertain significance (1). 14 of the submissions do not count toward it. Last evaluated 2025-08-01.

Conditions:
Congenital myopathy with fiber type disproportion. Also called: Congenital fiber-type disproportion myopathy; Congenital fiber-type disproportion. Identifiers: Orphanet 2020, MedGen C0546264, MONDO:0009711. Inheritance: all.
Malignant hyperthermia, susceptibility to, 1 (MHS1). Also called: RYR1-Related Malignant Hyperthermia Susceptibility; Malignant hyperthermia suceptibility 1; Anesthesia related hyperthermia; Malignant hyperpyrexia; Fulminating hyperpyrexia; Pharmacogenic myopathy. Identifiers: Orphanet 423, MedGen C2930980, MONDO:0007783, OMIM 145600.
Central core myopathy (CMYO1A). Also called: CONGENITAL MYOPATHY 1A, AUTOSOMAL DOMINANT, WITH SUSCEPTIBILITY TO MALIGNANT HYPERTHERMIA; Central core disease; Myopathy, central fibrillar. Identifiers: Orphanet 597, MedGen C5830701, MONDO:0007294, OMIM 117000.
King Denborough syndrome (KDS). Identifiers: MedGen C1840365, MONDO:0020485, OMIM 619542.
Congenital multicore myopathy with external ophthalmoplegia (CMYO1B). Also called: Minicore myopathy with external ophthalmoplegia; MULTIMINICORE DISEASE WITH EXTERNAL OPHTHALMOPLEGIA; Congenital myopathy 1B, autosomal recessive; Minicore myopathy; MULTICORE MYOPATHY. Identifiers: Orphanet 598, Orphanet 98905, MedGen C1850674, MONDO:0009712, OMIM 255320, HP:0003789.
RYR1-related disorder. Also called: RYR1-related disorders; RYR1-related condition. Identifiers: MedGen CN239331.
Malignant hyperthermia of anesthesia. Also called: Anesthesic-triggered malignant hyperthermia. Identifiers: Orphanet 423, MedGen C0024591, MONDO:0018493, HP:0034733.

Allele frequency attached by ClinVar (database versions not stated): TOPMed 0.00012; gnomAD 0.00013; gnomAD exomes 0.00016 and 0.00010; ExAC 0.00012.
gnomAD v4.1: 268 of 1,614,002 alleles (0.017%); highest among the groups gnomAD compares: Middle Eastern, 0.066%; no homozygotes.

Submissions (15):

ClinGen Malignant Hyperthermia Susceptibility Variant Curation Expert Panel, ClinGen
Classification: Uncertain significance for Malignant hyperthermia of anesthesia. Last evaluated: 2025-08-01. Review status: reviewed by expert panel. Criteria: ClinGen MHS ACMG Specifications V2. Collection method: curation. Allele origin: germline. Inheritance: Autosomal dominant inheritance.
Comment: This pathogenicity assessment is relevant only for malignant hyperthermia susceptibility (MHS) inherited in an autosomal dominant pattern. Variants in RYR1 can also cause other myopathies inherited in an autosomal dominant pattern or in an autosomal recessive pattern. Some of these disorders may predispose individuals to malignant hyperthermia. RYR1 variants may also contribute to a malignant hyperthermia reaction in combination with other genetic and non-genetic factors and the clinician needs to consider such factors in making management decisions. This sequence variant predicts a substitution of arginine with histidine at codon 4757 of the RYR1 protein, p.(Arg4757His). The maximum allele frequency for this variant among the six major gnomAD populations is NFE: .000159, a frequency consistent with pathogenicity for MHS. This variant has been reported in an individual with a personal or family history of an MH episode and a positive in vitro contracture test (IVCT) or caffeine halothane contracture test (CHCT) result (if the proband was unavailable for testing, a positive diagnostic test result in a mutation-positive relative was counted) (PMID: 30236257). However, the high MAF in the NFE population in gnomAD precludes the use of PS4. No functional studies were identified for this variant. This variant resides in a region of RYR1 considered to be a hotspot for pathogenic variants that contribute to MHS, PM1_Sup (PMID: 21118704). A REVEL score <0.50 (0.452) supports a benign status for this variant, BP4. This variant has been classified as a Variant of Unknown Significance. Criteria implemented: PM1_Supporting, BP4.

PreventionGenetics, part of Exact Sciences
Classification: Uncertain significance for RYR1-related condition. Last evaluated: 2026-09-01. Review status: criteria provided, single submitter. Criteria: ACMG Guidelines, 2015. Collection method: clinical testing. Allele origin: germline. Not counted in ClinVar's aggregate classification.
Comment: The RYR1 c.14270G>A variant is predicted to result in the amino acid substitution p.Arg4757His. This variant has been reported in one family with malignant hyperthermia; however, evidence to support pathogenicity was not provided (Table S1, Miller et al. 2018. PubMed ID: 30236257). This variant was also reported in the homozygous state in a fetus undergoing clinical exome sequencing for hydrops; however, this variant was not considered an explanation for the phenotype (Poyatos-Andújar et al. 2020. PubMed ID: 33598246). This variant is reported in 0.016% of alleles in individuals of European (non-Finnish) descent in gnomAD. The p.Arg4757 residue resides in the RYR1 C-terminal domain (amino acids 4136–4973), which is considered a hot spot for disease causing variants (Witherspoon and Meilleur. 2016. PubMed ID: 27855725). This variant is classified as uncertain by multiple submitters to the ClinVar database, including the ClinGen Malignant Hyperthermia Susceptibility Variant Curation Expert Panel (Variation ID: 285857). At this time, the clinical significance of this variant for autosomal dominant and recessive conditions is uncertain due to the absence of conclusive functional and genetic evidence.

Labcorp Genetics (formerly Invitae), Labcorp
Classification: Likely benign for RYR1-related disorder. Last evaluated: 2026-01-19. Review status: criteria provided, single submitter. Criteria: Invitae Variant Classification Sherloc (09022015). Collection method: clinical testing. Allele origin: germline. Not counted in ClinVar's aggregate classification.

Mayo Clinic Laboratories, Mayo Clinic
Classification: Uncertain significance. Last evaluated: 2025-02-27. Review status: criteria provided, single submitter. Criteria: ACMG Guidelines, 2015. Collection method: clinical testing. Allele origin: germline. Observed: 2 variant alleles. Not counted in ClinVar's aggregate classification.

Revvity Omics, Revvity
Classification: Uncertain significance. Last evaluated: 2024-09-18. Review status: criteria provided, single submitter. Criteria: ACMG Guidelines, 2015. Collection method: clinical testing. Allele origin: germline. Not counted in ClinVar's aggregate classification.

Color Diagnostics, LLC DBA Color Health
Classification: Uncertain significance for Malignant hyperthermia, susceptibility to, 1. Last evaluated: 2024-05-02. Review status: criteria provided, single submitter. Criteria: ACMG Guidelines, 2015. Collection method: clinical testing. Allele origin: germline. Not counted in ClinVar's aggregate classification.
Comment: This missense variant replaces arginine with histidine at codon 4757 of the RYR1 protein. Computational prediction suggests that this variant may not impact protein structure and function. To our knowledge, functional studies have not been reported for this variant. This variant has been reported in a family affected with malignant hyperthermia susceptibility (PMID: 30236257). This variant has been identified in 25/251108 chromosomes in the general population by the Genome Aggregation Database (gnomAD). The available evidence is insufficient to determine the role of this variant in disease conclusively. Therefore, this variant is classified as a Variant of Uncertain Significance.

CeGaT Center for Human Genetics Tuebingen
Classification: Uncertain significance. Last evaluated: 2022-12-01. Review status: criteria provided, single submitter. Criteria: CeGaT Center For Human Genetics Tuebingen Variant Classification Criteria Version 2. Collection method: clinical testing. Allele origin: germline. Affected: yes. Observed: 2 variant alleles. Not counted in ClinVar's aggregate classification.

ARUP Laboratories, Molecular Genetics and Genomics, ARUP Laboratories
Classification: Uncertain significance. Last evaluated: 2022-11-23. Review status: criteria provided, single submitter. Criteria: ARUP Molecular Germline Variant Investigation Process 2021. Collection method: clinical testing. Allele origin: germline. Not counted in ClinVar's aggregate classification.
Comment: The RYR1 c.14270G>A; p.Arg4757His variant (rs768360593) is reported in the literature in an individual with a personal or family history of an MH episode (Miller 2018). This variant is also reported in ClinVar (Variation ID: 285857) and is found in the non-Finnish European population with an allele frequency of 0.01% (18/113532 alleles) in the Genome Aggregation Database. This variant resides in a region of RYR1 considered to be a hotspot for pathogenic variants that contribute to MHS (Maclennan 2011). The arginine at codon 4757 is moderately conserved, but computational analyses predict that this variant is neutral (REVEL: 0.452). Due to limited information, the clinical significance of the p.Arg4757His variant is uncertain at this time. References: Maclennan DH et al. Mechanistic models for muscle diseases and disorders originating in the sarcoplasmic reticulum. Biochim Biophys Acta. 2011 May;1813(5):948-64. PMID: 21118704. Miller DM et al. Genetic epidemiology of malignant hyperthermia in the UK. Br J Anaesth. 2018 Oct;121(4):944-952. PMID: 30236257.

Fulgent Genetics
Classification: Uncertain significance for Central core myopathy; Malignant hyperthermia, susceptibility to, 1; Congenital myopathy 4A, autosomal dominant; Congenital multicore myopathy with external ophthalmoplegia; King Denborough syndrome. Last evaluated: 2021-08-13. Review status: criteria provided, single submitter. Criteria: ACMG Guidelines, 2015. Collection method: clinical testing. Allele origin: unknown. Not counted in ClinVar's aggregate classification.

GeneDx
Classification: Uncertain significance. Last evaluated: 2020-10-09. Review status: criteria provided, single submitter. Criteria: GeneDx Variant Classification Process June 2021. Collection method: clinical testing. Allele origin: germline. Affected: yes. Not counted in ClinVar's aggregate classification.
Comment: In silico analysis supports that this missense variant does not alter protein structure/function; Has not been previously published as pathogenic or benign to our knowledge

Illumina Laboratory Services, Illumina
Classification: Uncertain significance for Malignant hyperthermia, susceptibility to, 1. Last evaluated: 2018-01-12. Review status: criteria provided, single submitter. Criteria: ICSL Variant Classification Criteria 13 December 2019. Collection method: clinical testing. Allele origin: germline. Not counted in ClinVar's aggregate classification.

Illumina Laboratory Services, Illumina
Classification: Uncertain significance for Congenital multicore myopathy with external ophthalmoplegia. Last evaluated: 2018-01-12. Review status: criteria provided, single submitter. Criteria: ICSL Variant Classification Criteria 13 December 2019. Collection method: clinical testing. Allele origin: germline. Not counted in ClinVar's aggregate classification.

Eurofins Ntd Llc (ga)
Classification: Uncertain significance. Last evaluated: 2016-01-20. Review status: criteria provided, single submitter. Criteria: EGL Classification Definitions 2015. Collection method: clinical testing. Allele origin: germline. Observed: 2 variant alleles, 2 heterozygotes. Not counted in ClinVar's aggregate classification.

Genome Diagnostics Laboratory, Amsterdam University Medical Center
Classification: Uncertain significance. Review status: no assertion criteria provided. Collection method: clinical testing. Allele origin: germline. Affected: yes. Study: VKGL Data-share Consensus. Not counted in ClinVar's aggregate classification.

Joint Genome Diagnostic Labs from Nijmegen and Maastricht, Radboudumc and MUMC+
Classification: Uncertain significance. Review status: no assertion criteria provided. Collection method: clinical testing. Allele origin: germline. Affected: yes. Study: VKGL Data-share Consensus. Not counted in ClinVar's aggregate classification.

Literature cited by the submitters: PubMed 33598246 (cited by Mayo Clinic Laboratories, Mayo Clinic); PubMed 30236257 (cited by Color Diagnostics, LLC DBA Color Health).